The following is an entry in ClinVar:

ClinVar aggregate classification (germline): Uncertain significance (1 of 4 stars; one submission).

gnomAD v4.1: 55 of 1,614,070 alleles (0.0034%); highest among the groups gnomAD compares: Non-Finnish European, 0.0047%; no homozygotes.

Submission:

Labcorp Genetics (formerly Invitae), Labcorp
Classification: Uncertain significance. Last evaluated: 2025-09-15. Review status: criteria provided, single submitter. Criteria: Invitae Variant Classification Sherloc (09022015). Collection method: clinical testing. Allele origin: germline.
Comment: This sequence change replaces glutamine, which is neutral and polar, with arginine, which is basic and polar, at codon 800 of the KIF23 protein (p.Gln800Arg). This variant is present in population databases (rs377054458, gnomAD 0.002%). This variant has not been reported in the literature in individuals affected with KIF23-related conditions. Invitae Evidence Modeling of protein sequence and biophysical properties (such as structural, functional, and spatial information, amino acid conservation, physicochemical variation, residue mobility, and thermodynamic stability) indicates that this missense variant is not expected to disrupt KIF23 protein function with a negative predictive value of 80%. In summary, the available evidence is currently insufficient to determine the role of this variant in disease. Therefore, it has been classified as a Variant of Uncertain Significance.

NM_001367805.3(KIF23):c.2441A>G (p.Gln814Arg)

Gene: KIF23 (kinesin family member 23; plus strand). Cytogenetic location: 15q23.
Variant type: single nucleotide variant.
Coding change: c.2441A>G on transcript NM_001367805.3 (MANE Select); coding-DNA position 2441, A replaced by G.
Protein change: p.Gln814Arg; replaces glutamine 814 with arginine.
Molecular consequence: missense variant. On other transcripts: non-coding transcript variant (2), intron variant (1).
Genome position (GRCh38, 1-based): chr15:69,444,809, A>G. VCF-style: chr15-69444809-A-G. GRCh37 (hg19) VCF-style: chr15-69737148-A-G.
Other names: c.2399A>G, p.Gln800Arg (NM_001367804.2, NM_138555.4); c.2087A>G, p.Gln696Arg (NM_004856.7); c.2050-1200A>G (NM_001281301.2); short protein forms Q696R, Q814R, Q800R.
Identifiers: ClinVar variation 4693322 (VCV004693322.1).
Genomic context (GRCh38, chr15:69,444,809, plus strand): 5'-TAATACCCTTAAATTAATTCTGGGTTATGCTTGTTTCTCAGTTACTCTTTCAACCTGATC[A>G]GAACGCACCACCAATTCGTCTCCGACACAGACGATCACGCTCTGCAGGAGACAGATGGGT-3'
Protein context (NP_001354734.1, residues 804-824): HCGRLLFQPD[Gln814Arg]NAPPIRLRHR